The following is an entry in ClinVar:

ClinVar aggregate classification (germline): Uncertain significance (1 of 4 stars; one submission).

Submission:

Labcorp Genetics (formerly Invitae), Labcorp
Classification: Uncertain significance. Last evaluated: 2021-07-26. Review status: criteria provided, single submitter. Criteria: Invitae Variant Classification Sherloc (09022015). Collection method: clinical testing. Allele origin: germline.
Comment: In summary, the available evidence is currently insufficient to determine the role of this variant in disease. Therefore, it has been classified as a Variant of Uncertain Significance. Algorithms developed to predict the effect of missense changes on protein structure and function output the following: SIFT: "Tolerated"; PolyPhen-2: "Benign"; Align-GVGD: "Class C0". The glycine amino acid residue is found in multiple mammalian species, which suggests that this missense change does not adversely affect protein function. This variant has not been reported in the literature in individuals affected with POLE-related conditions. This variant is not present in population databases (ExAC no frequency). This sequence change replaces glutamic acid with glycine at codon 1964 of the POLE protein (p.Glu1964Gly). The glutamic acid residue is weakly conserved and there is a moderate physicochemical difference between glutamic acid and glycine.

NM_006231.4(POLE):c.5891A>G (p.Glu1964Gly)

Gene: POLE (DNA polymerase epsilon, catalytic subunit; minus strand). Cytogenetic location: 12q24.33.
Variant type: single nucleotide variant.
Coding change: c.5891A>G on transcript NM_006231.4 (MANE Select); coding-DNA position 5891, A replaced by G.
Protein change: p.Glu1964Gly; replaces glutamic acid 1964 with glycine.
Molecular consequence: missense variant.
Genome position (GRCh38, 1-based): chr12:132,634,299, T>C on the plus strand (A>G on the coding strand, the complement: POLE is on the minus strand). VCF-style: chr12-132634299-T-C. GRCh37 (hg19) VCF-style: chr12-133210885-T-C.
Other names: short protein forms E1964G.
Identifiers: ClinVar variation 1463322 (VCV001463322.8), dbSNP rs2138474699, ClinGen allele CA387371657.